The following is an entry in ClinVar:

ClinVar aggregate classification (germline): Likely benign (1 of 4 stars; one submission).

Conditions:
GATA4-related disorder. Also called: GATA4-related condition. Identifiers: MedGen CN860321.

gnomAD v4.1: 193 of 1,610,580 alleles (0.012%); highest among the groups gnomAD compares: South Asian, 0.053%; no homozygotes.

Submission:

PreventionGenetics, part of Exact Sciences
Classification: Likely benign for GATA4-related condition. Last evaluated: 2026-08-13. Review status: criteria provided, single submitter. Criteria: ACMG Guidelines, 2015. Collection method: clinical testing. Allele origin: germline.
Comment: This variant is classified as likely benign based on ACMG/AMP sequence variant interpretation guidelines (Richards et al. 2015 PMID: 25741868, with internal and published modifications).

NM_001308093.3(GATA4):c.912+24G>A

Gene: GATA4 (GATA binding protein 4). Cytogenetic location: 8p23.1.
Variant type: single nucleotide variant.
Coding change: c.912+24G>A on transcript NM_001308093.3 (MANE Select); 24 bases into the intron after coding-DNA position 912, G replaced by A.
Molecular consequence: intron variant.
Genome position (GRCh38, 1-based): chr8:11,750,260, G>A. VCF-style: chr8-11750260-G-A. GRCh37 (hg19) VCF-style: chr8-11607769-G-A.
Other names: c.291+24G>A (NM_001308094.2, NM_001374273.1); c.909+24G>A (NM_002052.5); c.165+1175G>A (NM_001374274.1).
Identifiers: ClinVar variation 4981485 (VCV004981485.1).